The following is an entry in ClinVar:

ClinVar aggregate classification (germline): Uncertain significance (1 of 4 stars; one submission).

Conditions:
Fanconi anemia (FA). Also called: Fanconi's anemia. Identifiers: Orphanet 84, MedGen C0015625, MeSH D005199, MONDO:0019391.

Submission:

Labcorp Genetics (formerly Invitae), Labcorp
Classification: Uncertain significance for Fanconi anemia. Last evaluated: 2026-01-06. Review status: criteria provided, single submitter. Criteria: Invitae Variant Classification Sherloc (09022015). Collection method: clinical testing. Allele origin: germline.
Comment: This sequence change replaces serine, which is neutral and polar, with asparagine, which is neutral and polar, at codon 1605 of the FANCM protein (p.Ser1605Asn). This variant is not present in population databases (gnomAD no frequency). This variant has not been reported in the literature in individuals affected with FANCM-related conditions. An algorithm developed to predict the effect of missense changes on protein structure and function (PolyPhen-2) suggests that this variant is likely to be disruptive. In summary, the available evidence is currently insufficient to determine the role of this variant in disease. Therefore, it has been classified as a Variant of Uncertain Significance.

NM_020937.4(FANCM):c.4814G>A (p.Ser1605Asn)

Gene: FANCM (FA complementation group M; plus strand). Cytogenetic location: 14q21.2.
Variant type: single nucleotide variant.
Coding change: c.4814G>A on transcript NM_020937.4 (MANE Select); coding-DNA position 4814, G replaced by A.
Protein change: p.Ser1605Asn; replaces serine 1605 with asparagine.
Molecular consequence: missense variant.
Genome position (GRCh38, 1-based): chr14:45,188,836, G>A. VCF-style: chr14-45188836-G-A. GRCh37 (hg19) VCF-style: chr14-45658039-G-A.
Other names: c.4736G>A, p.Ser1579Asn (NM_001308133.2); short protein forms S1579N, S1605N.
Identifiers: ClinVar variation 4734788 (VCV004734788.1).